The following is an entry in ClinVar:

NM_144643.4(SCLT1):c.362C>G (p.Thr121Ser)

Gene: SCLT1 (sodium channel and clathrin linker 1; minus strand). Cytogenetic location: 4q28.2.
Variant type: single nucleotide variant.
Coding change: c.362C>G on transcript NM_144643.4 (MANE Select); coding-DNA position 362, C replaced by G.
Protein change: p.Thr121Ser; replaces threonine 121 with serine.
Molecular consequence: missense variant.
Genome position (GRCh38, 1-based): chr4:129,003,805, G>C on the plus strand (C>G on the coding strand, the complement: SCLT1 is on the minus strand). VCF-style: chr4-129003805-G-C. GRCh37 (hg19) VCF-style: chr4-129924960-G-C.
Other names: c.362C>G, p.Thr121Ser (NM_001410807.1); short protein forms T121S.
Identifiers: ClinVar variation 4985224 (VCV004985224.1).

ClinVar aggregate classification (germline): Uncertain significance (1 of 4 stars; one submission).

Conditions:
SCLT1-related disorder. Also called: SCLT1-related condition.

gnomAD v4.1: 17 of 1,611,840 alleles (0.0011%); highest among the groups gnomAD compares: African/African-American, 0.023%; no homozygotes.

Submission:

PreventionGenetics, part of Exact Sciences
Classification: Uncertain significance for SCLT1-related condition. Last evaluated: 2025-03-24. Review status: criteria provided, single submitter. Criteria: ACMG Guidelines, 2015. Collection method: clinical testing. Allele origin: germline.
Comment: The SCLT1 c.362C>G variant is predicted to result in the amino acid substitution p.Thr121Ser. To our knowledge, this variant has not been reported in the literature. This variant is reported in 0.016% of alleles in individuals of African descent in gnomAD. At this time, the clinical significance of this variant is uncertain due to the absence of conclusive functional and genetic evidence.